The following is an entry in ClinVar:

ClinVar aggregate classification (germline): Uncertain significance (1 of 4 stars; one submission).

Conditions:
Hyperphosphatasia with impaired intellectual development syndrome 2. Also called: GLYCOSYLPHOSPHATIDYLINOSITOL BIOSYNTHESIS DEFECT 6; Hyperphosphatasia with intellectual disability syndrome 2. Identifiers: Orphanet 247262, MedGen C3553637, MONDO:0013882, OMIM 614749.

Submission:

Labcorp Genetics (formerly Invitae), Labcorp
Classification: Uncertain significance for Hyperphosphatasia with impaired intellectual development syndrome 2. Last evaluated: 2022-03-11. Review status: criteria provided, single submitter. Criteria: Invitae Variant Classification Sherloc (09022015). Collection method: clinical testing. Allele origin: germline.
Comment: This sequence change replaces aspartic acid, which is acidic and polar, with glycine, which is neutral and non-polar, at codon 289 of the PIGO protein (p.Asp289Gly). This variant is not present in population databases (gnomAD no frequency). In summary, the available evidence is currently insufficient to determine the role of this variant in disease. Therefore, it has been classified as a Variant of Uncertain Significance. Algorithms developed to predict the effect of missense changes on protein structure and function are either unavailable or do not agree on the potential impact of this missense change (SIFT: "Deleterious"; PolyPhen-2: "Possibly Damaging"; Align-GVGD: "Class C0"). This variant has not been reported in the literature in individuals affected with PIGO-related conditions.

NM_032634.4(PIGO):c.866A>G (p.Asp289Gly)

Gene: PIGO (phosphatidylinositol glycan anchor biosynthesis class O; minus strand). Cytogenetic location: 9p13.3.
Variant type: single nucleotide variant.
Coding change: c.866A>G on transcript NM_032634.4 (MANE Select); coding-DNA position 866, A replaced by G.
Protein change: p.Asp289Gly; replaces aspartic acid 289 with glycine.
Molecular consequence: missense variant.
Genome position (GRCh38, 1-based): chr9:35,093,494, T>C on the plus strand (A>G on the coding strand, the complement: PIGO is on the minus strand). VCF-style: chr9-35093494-T-C. GRCh37 (hg19) VCF-style: chr9-35093491-T-C.
Other names: c.866A>G, p.Asp289Gly (NM_001201484.2, NM_152850.4); short protein forms D289G.
Identifiers: ClinVar variation 1953500 (VCV001953500.5), dbSNP rs2490463941, ClinGen allele CA373323319.